The following is an entry in ClinVar:

ClinVar aggregate classification (germline): Conflicting classifications of pathogenicity. Review status: criteria provided, conflicting classifications (1 of 4 stars). 2 submissions from 2 submitters: Uncertain significance (1); Likely benign (1). Last evaluated 2026-01-21.

Conditions:
Epilepsy, progressive myoclonic, 1B. Also called: PME. Identifiers: Orphanet 308, MedGen C2676254, MONDO:0012904, OMIM 612437.

Allele frequency attached by ClinVar (database versions not stated): 1000 Genomes Project 0.00040; 1000 Genomes Project 30x 0.00078; gnomAD 0.00001 and 0.00009; TOPMed 0.00002; gnomAD exomes 0.00006 and 0.00010; ExAC 0.00016.
gnomAD v4.1: 100 of 1,614,130 alleles (0.0062%); highest among the groups gnomAD compares: Middle Eastern, 0.082%; 2 homozygotes.

Submissions (2):

Labcorp Genetics (formerly Invitae), Labcorp
Classification: Likely benign for Epilepsy, progressive myoclonic, 1B. Last evaluated: 2026-01-21. Review status: criteria provided, single submitter. Criteria: Invitae Variant Classification Sherloc (09022015). Collection method: clinical testing. Allele origin: germline.

GeneDx
Classification: Uncertain significance. Last evaluated: 2017-07-18. Review status: criteria provided, single submitter. Criteria: GeneDx Variant Classification (06012015). Collection method: clinical testing. Allele origin: germline. Affected: yes.
Comment: A variant of uncertain significance has been identified in the PRICKLE1 gene. The Q630E variant has not been published as a pathogenic variant, nor has it been reported as a benign variant to our knowledge. It was not observed in approximately 6,500 individuals of European and African American ancestry in the NHLBI Exome Sequencing Project, indicating it is not a common benign variant in these populations but the 1000 Genomes Project reports Q630E was observed in 1/162 (0.5%) alleles from individuals of Punjabi background. The Q630E variant is a semi-conservative amino acid substitution, which may impact secondary protein structure as these residues differ in some properties. This substitution occurs at a position that is conserved across species. However, in silico analysis is inconsistent in its predictions as to whether or not the variant is damaging to the protein structure/function. Therefore, based on the currently available information, it is unclear whether this variant is a pathogenic variant or a rare benign variant.

NM_153026.3(PRICKLE1):c.1888C>G (p.Gln630Glu)

Gene: PRICKLE1 (prickle planar cell polarity protein 1; minus strand). Cytogenetic location: 12q12.
Variant type: single nucleotide variant.
Coding change: c.1888C>G on transcript NM_153026.3 (MANE Select); coding-DNA position 1888, C replaced by G.
Protein change: p.Gln630Glu; replaces glutamine 630 with glutamic acid.
Molecular consequence: missense variant.
Genome position (GRCh38, 1-based): chr12:42,460,417, G>C on the plus strand (C>G on the coding strand, the complement: PRICKLE1 is on the minus strand). VCF-style: chr12-42460417-G-C. GRCh37 (hg19) VCF-style: chr12-42854219-G-C.
Other names: p.Q630E:CAG>GAG; c.1888C>G, p.Gln630Glu (NM_001144881.2, NM_001144882.2, NM_001144883.2); short protein forms Q630E.
Identifiers: ClinVar variation 206676 (VCV000206676.12), dbSNP rs200171609, ClinGen allele CA317005.